The following is an entry in ClinVar:

NM_014754.3(PTDSS1):c.863C>A (p.Ala288Asp)

Gene: PTDSS1 (phosphatidylserine synthase 1; plus strand). Cytogenetic location: 8q22.1.
Variant type: single nucleotide variant.
Coding change: c.863C>A on transcript NM_014754.3 (MANE Select); coding-DNA position 863, C replaced by A.
Protein change: p.Ala288Asp; replaces alanine 288 with aspartic acid.
Molecular consequence: missense variant.
Genome position (GRCh38, 1-based): chr8:96,304,150, C>A. VCF-style: chr8-96304150-C-A. GRCh37 (hg19) VCF-style: chr8-97316378-C-A.
Other names: c.425C>A, p.Ala142Asp (NM_001290225.2); short protein forms A288D, A142D.
Identifiers: ClinVar variation 1905035 (VCV001905035.3), dbSNP rs139349789, ClinGen allele CA4816677.

ClinVar aggregate classification (germline): Uncertain significance (1 of 4 stars; one submission).

Allele frequency attached by ClinVar (database versions not stated): gnomAD 0.00001; TOPMed 0.00001; ExAC 0.00002; ESP Exome Variant Server 0.00008.
gnomAD v4.1: 6 of 1,613,084 alleles (0.00037%); highest among the groups gnomAD compares: African/African-American, 0.0013%; no homozygotes.

Submission:

Labcorp Genetics (formerly Invitae), Labcorp
Classification: Uncertain significance. Last evaluated: 2022-07-05. Review status: criteria provided, single submitter. Criteria: Invitae Variant Classification Sherloc (09022015). Collection method: clinical testing. Allele origin: germline.
Comment: In summary, the available evidence is currently insufficient to determine the role of this variant in disease. Therefore, it has been classified as a Variant of Uncertain Significance. Algorithms developed to predict the effect of missense changes on protein structure and function (SIFT, PolyPhen-2, Align-GVGD) all suggest that this variant is likely to be disruptive. This variant has not been reported in the literature in individuals affected with PTDSS1-related conditions. This variant is present in population databases (rs139349789, gnomAD 0.007%). This sequence change replaces alanine, which is neutral and non-polar, with aspartic acid, which is acidic and polar, at codon 288 of the PTDSS1 protein (p.Ala288Asp).